The following is an entry in ClinVar:

NM_001378183.1(PIEZO2):c.3426CTT[3] (p.Phe1144_Tyr1145insPhe)

Gene: PIEZO2 (piezo type mechanosensitive ion channel component 2; minus strand). Cytogenetic location: 18p11.22.
Variant type: Microsatellite.
Coding change: c.3426CTT[3] on transcript NM_001378183.1 (MANE Select); three copies in a row of the 3-base unit CTT starting at c.3426; the reference has two copies in a row; one copy, 3 bases duplicated.
Protein change: p.Phe1144_Tyr1145insPhe.
Genome position (GRCh38, 1-based): chr18:10,760,930-10,760,932, AAG duplicated on the plus strand (CTT on the coding strand, the reverse complement: PIEZO2 is on the minus strand); duplicating any 3 consecutive bases within chr18:10,760,930-10,760,935 gives the same sequence; the position shown is the placement nearest the transcript's 3' end. VCF-style (leftmost placement, unchanged base first): chr18-10760929-A-AAAG. GRCh37 (hg19) VCF-style: chr18-10760927-A-AAAG.
Other names: c.3426CTT[3], p.Phe1144_Tyr1145insPhe (NM_001410871.1); c.3351CTT[3], p.Phe1119_Tyr1120insPhe (NM_022068.4); c.3354_3356dupCTT (NM_022068.4).
Identifiers: ClinVar variation 4847134 (VCV004847134.1).

ClinVar aggregate classification (germline): Uncertain significance (1 of 4 stars; one submission).

Submission:

Women's Health and Genetics/Laboratory Corporation of America, LabCorp
Classification: Uncertain significance. Last evaluated: 2026-03-18. Review status: criteria provided, single submitter. Criteria: LabCorp Variant Classification Summary - May 2015. Collection method: clinical testing. Allele origin: germline.
Comment: Variant summary: PIEZO2 c.3354_3356dupCTT (p.Phe1119dup) results in an in-frame duplication that is predicted to duplicate one amino acid into the encoded protein. The variant allele was found at a frequency of 1.4e-05 in 143922 control chromosomes. The available data on variant occurrences in the general population are insufficient to allow any conclusion about variant significance. To our knowledge, no occurrence of c.3354_3356dupCTT in individuals affected with PIEZO2-related conditions and no experimental evidence demonstrating its impact on protein function have been reported. No submitters have cited clinical-significance assessments for this variant to ClinVar. Based on the evidence outlined above, the variant was classified as uncertain significance.